The following is an entry in ClinVar:

NM_001034850.3(RETREG1):c.874-3C>T

Gene: RETREG1 (reticulophagy regulator 1; minus strand). Cytogenetic location: 5p15.1.
Variant type: single nucleotide variant.
Coding change: c.874-3C>T on transcript NM_001034850.3 (MANE Select); 3 bases into the intron before coding-DNA position 874, C replaced by T.
Molecular consequence: intron variant.
Genome position (GRCh38, 1-based): chr5:16,477,791, G>A on the plus strand (C>T on the coding strand, the complement: RETREG1 is on the minus strand). VCF-style: chr5-16477791-G-A. GRCh37 (hg19) VCF-style: chr5-16477900-G-A.
Other names: c.451-3C>T (NM_019000.5).
Identifiers: ClinVar variation 2084771 (VCV002084771.2), dbSNP rs752798845, ClinGen allele CA3210302.

ClinVar aggregate classification (germline): Uncertain significance (1 of 4 stars; one submission).

Allele frequency attached by ClinVar (database versions not stated): ExAC 0.00002; gnomAD 0.00003; TOPMed 0.00003.
gnomAD v4.1: 10 of 1,613,130 alleles (0.00062%); highest among the groups gnomAD compares: African/African-American, 0.0094%; no homozygotes.

Submission:

Labcorp Genetics (formerly Invitae), Labcorp
Classification: Uncertain significance. Last evaluated: 2022-05-01. Review status: criteria provided, single submitter. Criteria: Invitae Variant Classification Sherloc (09022015). Collection method: clinical testing. Allele origin: germline.
Comment: This variant has not been reported in the literature in individuals affected with RETREG1-related conditions. Variants that disrupt the consensus splice site are a relatively common cause of aberrant splicing (PMID: 17576681, 9536098). Algorithms developed to predict the effect of sequence changes on RNA splicing suggest that this variant is not likely to affect RNA splicing. In summary, the available evidence is currently insufficient to determine the role of this variant in disease. Therefore, it has been classified as a Variant of Uncertain Significance. This sequence change falls in intron 7 of the RETREG1 gene. It does not directly change the encoded amino acid sequence of the RETREG1 protein. It affects a nucleotide within the consensus splice site. This variant is present in population databases (rs752798845, gnomAD 0.01%).

Literature cited by the submitters: PubMed 17576681; PubMed 9536098.